The following is an entry in ClinVar:

NM_001283009.2(RTEL1):c.609G>C (p.Lys203Asn)

Genes: RTEL1 (regulator of telomere elongation helicase 1; plus strand), RTEL1-TNFRSF6B (RTEL1-TNFRSF6B readthrough (NMD candidate); plus strand). Cytogenetic location: 20q13.33.
Variant type: single nucleotide variant.
Coding change: c.609G>C on transcript NM_001283009.2 (MANE Select); coding-DNA position 609, G replaced by C.
Protein change: p.Lys203Asn; replaces lysine 203 with asparagine.
Molecular consequence: missense variant. On other transcripts: non-coding transcript variant (1), 5 prime UTR variant (1).
Genome position (GRCh38, 1-based): chr20:63,666,074, G>C. VCF-style: chr20-63666074-G-C. GRCh37 (hg19) VCF-style: chr20-62297427-G-C.
Other names: c.-61G>C (NM_001283010.1); c.609G>C, p.Lys203Asn (NM_016434.4); c.681G>C, p.Lys227Asn (NM_032957.5); short protein forms K227N, K203N.
Identifiers: ClinVar variation 3948297 (VCV003948297.1).
Genomic context (GRCh38, chr20:63,666,074, plus strand): 5'-GGAGCAGGAGCTGGCCAGCCCCATCCTGGACATTGAGGACTTGGTCAAGAGCGGAAGCAA[G>C]CACAGGTGAGACCCCTCAGTGAGGCCACGACCACTGTCCTTCCATGGCCCAGCTCTCCTG-3'
Protein context (NP_001269938.1, residues 193-213): DIEDLVKSGS[Lys203Asn]HRVCPYYLSR

ClinVar aggregate classification (germline): Uncertain significance (1 of 4 stars; one submission).

Conditions:
Inborn genetic diseases. Identifiers: MedGen C0950123, MeSH D030342.

gnomAD v4.1: 1 of 1,614,048 alleles (0.000062%); highest among the groups gnomAD compares: Non-Finnish European, 0.000085%; no homozygotes.

Submission:

Ambry Genetics
Classification: Uncertain significance for Inborn genetic diseases. Last evaluated: 2025-04-05. Review status: criteria provided, single submitter. Criteria: Ambry Variant Classification Scheme 2023. Collection method: clinical testing. Allele origin: germline.
Comment: The p.K203N variant (also known as c.609G>C), located in coding exon 6 of the RTEL1 gene, results from a G to C substitution at nucleotide position 609. The lysine at codon 203 is replaced by asparagine, an amino acid with similar properties. This amino acid position is conserved. In addition, this alteration is predicted to be tolerated by in silico analysis. Based on the available evidence, the clinical significance of this variant remains unclear.